The following is an entry in ClinVar:

NM_001042492.3(NF1):c.5220C>T (p.Phe1740=)

Gene: NF1 (neurofibromin 1; plus strand). Cytogenetic location: 17q11.2.
Variant type: single nucleotide variant.
Coding change: c.5220C>T on transcript NM_001042492.3 (MANE Select); coding-DNA position 5220, C replaced by T.
Protein change: p.Phe1740=; no amino-acid change (phenylalanine 1740 retained).
Molecular consequence: synonymous variant.
Genome position (GRCh38, 1-based): chr17:31,326,204, C>T. VCF-style: chr17-31326204-C-T. GRCh37 (hg19) VCF-style: chr17-29653222-C-T.
Other names: c.5157C>T, p.Phe1719= (NM_000267.4).
Identifiers: ClinVar variation 3648771 (VCV003648771.2).

ClinVar aggregate classification (germline): Uncertain significance (1 of 4 stars; one submission).

Conditions:
Neurofibromatosis, type 1 (NF1). Also called: Peripheral type neurofibromatosis; VON RECKLINGHAUSEN DISEASE; Neurofibromatosis, type I; NEUROFIBROMATOSIS, TYPE I, SOMATIC. Identifiers: Orphanet 636, MedGen C0027831, MONDO:0018975, OMIM 162200. Disease mechanism: loss of function.

Submission:

Labcorp Genetics (formerly Invitae), Labcorp
Classification: Uncertain significance for Neurofibromatosis, type 1. Last evaluated: 2024-06-11. Review status: criteria provided, single submitter. Criteria: Invitae Variant Classification Sherloc (09022015). Collection method: clinical testing. Allele origin: germline.
Comment: This sequence change affects codon 1719 of the NF1 mRNA. It is a 'silent' change, meaning that it does not change the encoded amino acid sequence of the NF1 protein. This variant is not present in population databases (gnomAD no frequency). This variant has not been reported in the literature in individuals affected with NF1-related conditions. Algorithms developed to predict the effect of sequence changes on RNA splicing suggest that this variant may create or strengthen a splice site. In summary, the available evidence is currently insufficient to determine the role of this variant in disease. Therefore, it has been classified as a Variant of Uncertain Significance.